The following is an entry in ClinVar:

NM_001126108.2(SLC12A3):c.*752C>T

Gene: SLC12A3 (solute carrier family 12 member 3; plus strand). Cytogenetic location: 16q13.
Variant type: single nucleotide variant.
Coding change: c.*752C>T on transcript NM_001126108.2 (MANE Select); 752 bases downstream of the stop codon, C replaced by T.
Molecular consequence: 3 prime UTR variant.
Genome position (GRCh38, 1-based): chr16:56,914,157, C>T. VCF-style: chr16-56914157-C-T. GRCh37 (hg19) VCF-style: chr16-56948069-C-T.
Other names: c.*752C>T (NM_000339.3, NM_001126107.2).
Identifiers: ClinVar variation 319940 (VCV000319940.5), dbSNP rs8049491, ClinGen allele CA10648653.

ClinVar aggregate classification (germline): Likely benign (1 of 4 stars; one submission).

Conditions:
Familial hypokalemia-hypomagnesemia (GTLMNS). Also called: gitelman syndrome; HYPOMAGNESEMIA-HYPOKALEMIA, PRIMARY RENOTUBULAR, WITH HYPOCALCIURIA; POTASSIUM AND MAGNESIUM DEPLETION. Identifiers: Orphanet 358, MedGen C0268450, MONDO:0009904, OMIM 263800.

Allele frequency attached by ClinVar (database versions not stated): 1000 Genomes Project 0.00359; 1000 Genomes Project 30x 0.00406; gnomAD 0.00411 and 0.00434; TOPMed 0.00441.

Submission:

Illumina Laboratory Services, Illumina
Classification: Likely benign for Familial hypokalemia-hypomagnesemia. Last evaluated: 2018-01-13. Review status: criteria provided, single submitter. Criteria: ICSL Variant Classification Criteria 13 December 2019. Collection method: clinical testing. Allele origin: germline.
Comment: This variant was observed in the ICSL laboratory as part of a predisposition screen in an ostensibly healthy population. It had not been previously curated by ICSL or reported in the Human Gene Mutation Database (HGMD: prior to June 1st, 2018), and was therefore a candidate for classification through an automated scoring system. Utilizing variant allele frequency, disease prevalence and penetrance estimates, and inheritance mode, an automated score was calculated to assess if this variant is too frequent to cause the disease. Based on the score and internal cut-off values, a variant classified as likely benign is not then subjected to further curation. The score for this variant resulted in a classification of likely benign for this disease.